The following is an entry in ClinVar:

NM_015001.3(SPEN):c.6165T>A (p.Pro2055=)

Gene: SPEN (spen family transcriptional repressor; plus strand). Cytogenetic location: 1p36.13.
Variant type: single nucleotide variant.
Coding change: c.6165T>A on transcript NM_015001.3 (MANE Select); coding-DNA position 6165, T replaced by A.
Protein change: p.Pro2055=; no amino-acid change (proline 2055 retained).
Molecular consequence: synonymous variant.
Genome position (GRCh38, 1-based): chr1:15,932,405, T>A. VCF-style: chr1-15932405-T-A. GRCh37 (hg19) VCF-style: chr1-16258900-T-A.
Identifiers: ClinVar variation 2638327 (VCV002638327.24), dbSNP rs1237014469, ClinGen allele CA416381667.
Genomic context (GRCh38, chr1:15,932,405, plus strand): 5'-GGAGGCAGGGAGTGAACAGAAACGTGACAGAAAAGATGCTGGCACAGACAAAAACCCCCC[T>A]GAAACCGCCCCTGTTGAAGTTGTAGAGAAAAAACCGGCCCCTGAAAAAAACTCCAAATCA-3'
Protein context (NP_055816.2, residues 2045-2065): RKDAGTDKNP[Pro2055=]ETAPVEVVEK

ClinVar aggregate classification (germline): Likely benign (1 of 4 stars; one submission).

Allele frequency attached by ClinVar (database versions not stated): gnomAD exomes below 0.00001; TOPMed below 0.00001.
gnomAD v4.1: 1 of 1,613,846 alleles (0.000062%); highest among the groups gnomAD compares: Non-Finnish European, 0.000085%; no homozygotes.

Submission:

CeGaT Center for Human Genetics Tuebingen
Classification: Likely benign. Last evaluated: 2022-08-01. Review status: criteria provided, single submitter. Criteria: CeGaT Center For Human Genetics Tuebingen Variant Classification Criteria Version 2. Collection method: clinical testing. Allele origin: germline. Affected: yes. Observed: 1 variant allele.
Comment: SPEN: PM2:Supporting, BP4, BP7